The following is an entry in ClinVar:

ClinVar aggregate classification (germline): Pathogenic (1 of 4 stars; one submission).

Submission:

Labcorp Genetics (formerly Invitae), Labcorp
Classification: Pathogenic. Last evaluated: 2022-02-06. Review status: criteria provided, single submitter. Criteria: Invitae Variant Classification Sherloc (09022015). Collection method: clinical testing. Allele origin: germline.
Comment: This variant is not present in population databases (gnomAD no frequency). This sequence change creates a premature translational stop signal (p.Ser95*) in the RS1 gene. It is expected to result in an absent or disrupted protein product. Loss-of-function variants in RS1 are known to be pathogenic (PMID: 9618178, 17172462). This variant has not been reported in the literature in individuals affected with RS1-related conditions. For these reasons, this variant has been classified as Pathogenic. Algorithms developed to predict the effect of sequence changes on RNA splicing suggest that this variant may create or strengthen a splice site.

Literature cited by the submitters: PubMed 9618178; PubMed 17172462.

NM_000330.4(RS1):c.284C>A (p.Ser95Ter)

Genes: CDKL5 (cyclin dependent kinase like 5; plus strand), RS1 (retinoschisin 1; minus strand). Cytogenetic location: Xp22.13.
Variant type: single nucleotide variant.
Coding change: c.284C>A on transcript NM_000330.4 (MANE Select); coding-DNA position 284, C replaced by A.
Protein change: p.Ser95Ter; replaces serine 95 with a stop codon.
Molecular consequence: nonsense. On other transcripts: intron variant (2).
Genome position (GRCh38, 1-based): chrX:18,647,233, G>T on the plus strand (C>A on the coding strand, the complement: RS1 is on the minus strand). VCF-style: chrX-18647233-G-T. GRCh37 (hg19) VCF-style: chrX-18665353-G-T.
Other names: c.2797+1143G>T (NM_003159.3, NM_001037343.2); short protein forms S95*.
Identifiers: ClinVar variation 2094233 (VCV002094233.4), dbSNP rs1271613655, ClinGen allele CA412372779.